The following is an entry in ClinVar:

ClinVar aggregate classification (germline): Uncertain significance (1 of 4 stars; one submission).

Allele frequency attached by ClinVar (database versions not stated): ExAC 0.00007; gnomAD 0.00007; TOPMed 0.00008.

Submission:

Labcorp Genetics (formerly Invitae), Labcorp
Classification: Uncertain significance. Last evaluated: 2023-06-19. Review status: criteria provided, single submitter. Criteria: Invitae Variant Classification Sherloc (09022015). Collection method: clinical testing. Allele origin: germline.
Comment: Advanced modeling of protein sequence and biophysical properties (such as structural, functional, and spatial information, amino acid conservation, physicochemical variation, residue mobility, and thermodynamic stability) performed at Invitae indicates that this missense variant is not expected to disrupt NDST1 protein function. In summary, the available evidence is currently insufficient to determine the role of this variant in disease. Therefore, it has been classified as a Variant of Uncertain Significance. This variant has not been reported in the literature in individuals affected with NDST1-related conditions. This variant is present in population databases (rs767696902, gnomAD 0.02%). This sequence change replaces alanine, which is neutral and non-polar, with threonine, which is neutral and polar, at codon 736 of the NDST1 protein (p.Ala736Thr).

NM_001543.5(NDST1):c.2206G>A (p.Ala736Thr)

Gene: NDST1 (N-deacetylase and N-sulfotransferase 1; plus strand). Cytogenetic location: 5q33.1.
Variant type: single nucleotide variant.
Coding change: c.2206G>A on transcript NM_001543.5 (MANE Select); coding-DNA position 2206, G replaced by A.
Protein change: p.Ala736Thr; replaces alanine 736 with threonine.
Molecular consequence: missense variant. On other transcripts: intron variant (1).
Genome position (GRCh38, 1-based): chr5:150,548,278, G>A. VCF-style: chr5-150548278-G-A. GRCh37 (hg19) VCF-style: chr5-149927840-G-A.
Other names: c.2146-1400G>A (NM_001301063.2); short protein forms A736T.
Identifiers: ClinVar variation 2919306 (VCV002919306.1), dbSNP rs767696902, ClinGen allele CA3512908.